The following is an entry in ClinVar:

ClinVar aggregate classification (germline): Conflicting classifications of pathogenicity. Review status: criteria provided, conflicting classifications (1 of 4 stars). 6 submissions from 6 submitters: Uncertain significance (1); Benign (2); Likely benign (1). 2 of the submissions do not count toward it. Last evaluated 2026-01-22.

Conditions:
Benign familial hematuria. Also called: thin basement membrane disease. Identifiers: MedGen C0241908, MONDO:0957317.
Alport syndrome. Also called: Hemorrhagic familial nephritis; Hemorrhagic hereditary nephritis; Congenital hereditary hematuria. Identifiers: Orphanet 63, MedGen C1567741, MONDO:0018965.
COL4A4-related disorder.

Submissions (6):

Labcorp Genetics (formerly Invitae), Labcorp
Classification: Benign. Last evaluated: 2026-01-22. Review status: criteria provided, single submitter. Criteria: Invitae Variant Classification Sherloc (09022015). Collection method: clinical testing. Allele origin: germline.

Blueprint Genetics
Classification: Likely benign. Last evaluated: 2024-10-29. Review status: criteria provided, single submitter. Criteria: ACMG Guidelines, 2015. Collection method: clinical testing. Allele origin: germline.

ARUP Laboratories, Molecular Genetics and Genomics, ARUP Laboratories
Classification: Benign. Last evaluated: 2023-11-09. Review status: criteria provided, single submitter. Criteria: ARUP Molecular Germline Variant Investigation Process 2024. Collection method: clinical testing. Allele origin: germline.

Centre for Mendelian Genomics, University Medical Centre Ljubljana
Classification: Uncertain significance for Hematuria, benign familial, 1. Last evaluated: 2019-05-20. Review status: criteria provided, single submitter. Criteria: ACMG Guidelines, 2015. Collection method: clinical testing. Allele origin: unknown. Affected: yes.
Comment: This variant was classified as: Uncertain significance. The available evidence on this variant's pathogenicity is insufficient or conflicting. The following ACMG criteria were applied in classifying this variant: BP4.

PreventionGenetics, part of Exact Sciences
Classification: Benign for COL4A4-related condition. Last evaluated: 2021-12-03. Review status: no assertion criteria provided. Collection method: clinical testing. Allele origin: germline. Not counted in ClinVar's aggregate classification.
Comment: This variant is classified as benign based on ACMG/AMP sequence variant interpretation guidelines (Richards et al. 2015 PMID: 25741868, with internal and published modifications).

Natera, Inc.
Classification: Likely benign for Alport syndrome. Last evaluated: 2019-09-27. Review status: no assertion criteria provided. Collection method: clinical testing. Allele origin: germline. Not counted in ClinVar's aggregate classification.

NM_000092.5(COL4A4):c.736-4del

Gene: COL4A4 (collagen type IV alpha 4 chain; minus strand). Cytogenetic location: 2q36.3.
Variant type: Deletion.
Coding change: c.736-4del on transcript NM_000092.5 (MANE Select); 4 bases into the intron before coding-DNA position 736, one base deleted (T; older notation c.736-4delT).
Molecular consequence: intron variant.
Genome position (GRCh38, 1-based): chr2:227,104,056, A deleted on the plus strand (T on the coding strand, the reverse complement: COL4A4 is on the minus strand); the first of 10 consecutive A bases (chr2:227,104,056-227,104,065); deleting any one gives the same sequence. VCF-style (leftmost placement, unchanged base first): chr2-227104055-TA-T. GRCh37 (hg19) VCF-style: chr2-227968771-TA-T.
Identifiers: ClinVar variation 931145 (VCV000931145.16), dbSNP rs750699545, ClinGen allele CA2145440.